The following is an entry in ClinVar:

ClinVar aggregate classification (germline): Uncertain significance (1 of 4 stars; one submission).

Conditions:
Chuvash polycythemia. Also called: POLYCYTHEMIA, VHL-DEPENDENT. Identifiers: Orphanet 238557, MedGen C1837915, MONDO:0009892, OMIM 263400.
Von Hippel-Lindau syndrome (VHLS). Also called: von Hippel–Lindau syndrome; VHL syndrome; Von Hippel-Lindau. Identifiers: Orphanet 892, MedGen C0019562, MONDO:0008667, OMIM 193300. Disease mechanism: loss of function.

gnomAD v4.1: 1 of 1,535,438 alleles (0.000065%); highest among the groups gnomAD compares: Non-Finnish European, 0.000088%; no homozygotes.

Submission:

Labcorp Genetics (formerly Invitae), Labcorp
Classification: Uncertain significance for Von Hippel-Lindau syndrome; Chuvash polycythemia. Last evaluated: 2024-04-08. Review status: criteria provided, single submitter. Criteria: Invitae Variant Classification Sherloc (09022015). Collection method: clinical testing. Allele origin: germline.
Comment: This sequence change replaces proline, which is neutral and non-polar, with threonine, which is neutral and polar, at codon 2 of the VHL protein (p.Pro2Thr). This variant is not present in population databases (gnomAD no frequency). This variant has not been reported in the literature in individuals affected with VHL-related conditions. Advanced modeling of protein sequence and biophysical properties (such as structural, functional, and spatial information, amino acid conservation, physicochemical variation, residue mobility, and thermodynamic stability) performed at Invitae indicates that this missense variant is not expected to disrupt VHL protein function with a negative predictive value of 95%. In summary, the available evidence is currently insufficient to determine the role of this variant in disease. Therefore, it has been classified as a Variant of Uncertain Significance.

NM_000551.4(VHL):c.4C>A (p.Pro2Thr)

Gene: VHL (von Hippel-Lindau tumor suppressor; plus strand). Cytogenetic location: 3p25.3.
Variant type: single nucleotide variant.
Coding change: c.4C>A on transcript NM_000551.4 (MANE Select); coding-DNA position 4, C replaced by A.
Protein change: p.Pro2Thr; replaces proline 2 with threonine.
Molecular consequence: missense variant. On other transcripts: non-coding transcript variant (1).
Genome position (GRCh38, 1-based): chr3:10,141,851, C>A. VCF-style: chr3-10141851-C-A. GRCh37 (hg19) VCF-style: chr3-10183535-C-A.
Other names: c.4C>A, p.Pro2Thr (NM_001354723.2, NM_198156.3); short protein forms P2T.
Identifiers: ClinVar variation 2941194 (VCV002941194.3), dbSNP rs1034974221, ClinGen allele CA351747014.
Genomic context (GRCh38, chr3:10,141,851, plus strand): 5'-GCGTCCGACCCGCGGATCCCGCGGCGTCCGGCCCGGGTGGTCTGGATCGCGGAGGGAATG[C>A]CCCGGAGGGCGGAGAACTGGGACGAGGCCGAGGTAGGCGCGGAGGAGGCAGGCGTCGAAG-3'
Protein context (NP_000542.1, residues 1-12): M[Pro2Thr]RRAENWDEAE